The following is an entry in ClinVar:

NM_000781.3(CYP11A1):c.358del (p.Arg120fs)

Gene: CYP11A1 (cytochrome P450 family 11 subfamily A member 1; minus strand). Cytogenetic location: 15q24.1.
Variant type: Deletion.
Coding change: c.358del on transcript NM_000781.3 (MANE Select); coding-DNA position 358, one base deleted (C; older notation c.358delC).
Protein change: p.Arg120fs; shifts the reading frame from arginine 120.
Molecular consequence: frameshift variant. On other transcripts: 5 prime UTR variant (1).
Genome position (GRCh38, 1-based): chr15:74,347,967, G deleted on the plus strand (C on the coding strand, the reverse complement: CYP11A1 is on the minus strand). VCF-style (leftmost placement, unchanged base first): chr15-74347966-CG-C. GRCh37 (hg19) VCF-style: chr15-74640307-CG-C.
Other names: c.-117del (NM_001099773.2); c.358delC (NM_000781.3); short protein forms R120fs.
Identifiers: ClinVar variation 1179133 (VCV001179133.5), dbSNP rs1287871034, ClinGen allele CA619412088.
Genomic context (GRCh38, chr15:74,347,966, plus strand): 5'-AGGACTCCTATGGGTCTCTGGTAATACTGGTGATAGGCGACCCAGGGCGGGATGAGGAAT[CG>C]TTCTGGGTTGGGGCCCTCGGACTTAAAGAGAAGGGCCACATCTTCAGGGTCGATGACATA-3'

ClinVar aggregate classification (germline): Pathogenic/Likely pathogenic. Review status: criteria provided, multiple submitters, no conflicts (2 of 4 stars). 4 submissions from 4 submitters: Pathogenic (3); Likely pathogenic (1). Last evaluated 2026-06-08.

Conditions:
Congenital adrenal insufficiency with 46, XY sex reversal OR 46,XY disorder of sex development-adrenal insufficiency due to CYP11A1 deficiency. Also called: Congenital adrenal insuffiency with 46, XY sex reversal OR 46,XY disorder of sex development-adrenal insufficiency due to CYP11A1 deficiency; P450scc DEFICIENCY. Identifiers: Orphanet 168558, MedGen C3151055, MONDO:0013400, OMIM 613743.
Congenital adrenal hyperplasia. Identifiers: Orphanet 418, MedGen C0001627, MONDO:0018479, HP:0008258.

Allele frequency attached by ClinVar (database versions not stated): gnomAD exomes below 0.00001; TOPMed below 0.00001; gnomAD 0.00001.

Submissions (4):

Women's Health and Genetics/Laboratory Corporation of America, LabCorp
Classification: Pathogenic for Congenital adrenal hyperplasia. Last evaluated: 2026-06-08. Review status: criteria provided, single submitter. Criteria: LabCorp Variant Classification Summary - May 2015. Collection method: clinical testing. Allele origin: germline.
Comment: Variant summary: CYP11A1 c.358delC (p.Arg120AspfsX18) results in a premature termination codon, predicted to cause a truncation of the encoded protein or absence of the protein due to nonsense mediated decay, which are commonly known mechanisms for disease. The variant allele was found at a frequency of 4e-06 in 251444 control chromosomes. c.358delC has been observed in the presumed compound heterozygous state in individual(s) affected with CYP11A1-related conditions (example, Nowak_2024). These report(s) do not provide unequivocal conclusions about association of the variant with disease. To our knowledge, no experimental evidence demonstrating an impact on protein function has been reported. The following publication has been ascertained in the context of this evaluation (PMID: 39457196). ClinVar contains an entry for this variant (Variation ID: 1179133). Based on the evidence outlined above, the variant was classified as pathogenic.

Variantyx, Inc.
Classification: Likely pathogenic for Congenital adrenal insufficiency with 46, XY sex reversal OR 46,XY disorder of sex development-adrenal insufficiency due to CYP11A1 deficiency. Last evaluated: 2026-01-05. Review status: criteria provided, single submitter. Criteria: Variantyx Assertion Criteria 2022. Collection method: clinical testing. Allele origin: germline. Inheritance: Autosomal recessive inheritance. Affected: yes.
Comment: This is a frameshift variant in the CYP11A1 gene (OMIM: 118485). Pathogenic variants in this gene have been associated with autosomal recessive partial or complete congenital adrenal insufficiency with 46XY sex reversal. This variant introduces a premature termination codon in exon 2 out of 9 and is expected to result in loss of function, which is a known disease mechanism for CYP11A1 in this disorder (PMID: 15507506, 22435390, 27855232, 29968487) (PVS1). This variant has a 0.0003% maximum allele frequency in non-founder control populations (PM2). Based on the current evidence, this variant is classified as likely pathogenic for autosomal recessive partial or complete congenital adrenal insufficiency with 46XY sex reversal.

Labcorp Genetics (formerly Invitae), Labcorp
Classification: Pathogenic. Last evaluated: 2024-02-22. Review status: criteria provided, single submitter. Criteria: Invitae Variant Classification Sherloc (09022015). Collection method: clinical testing. Allele origin: germline.
Comment: This sequence change creates a premature translational stop signal (p.Arg120Aspfs*18) in the CYP11A1 gene. It is expected to result in an absent or disrupted protein product. Loss-of-function variants in CYP11A1 are known to be pathogenic (PMID: 15507506, 22435390, 27855232, 229968487). This variant is present in population databases (no rsID available, gnomAD 0.0009%). This variant has not been reported in the literature in individuals affected with CYP11A1-related conditions. ClinVar contains an entry for this variant (Variation ID: 1179133). For these reasons, this variant has been classified as Pathogenic.

Fulgent Genetics
Classification: Pathogenic for Congenital adrenal insufficiency with 46, XY sex reversal OR 46,XY disorder of sex development-adrenal insufficiency due to CYP11A1 deficiency. Last evaluated: 2021-06-30. Review status: criteria provided, single submitter. Criteria: ACMG Guidelines, 2015. Collection method: clinical testing. Allele origin: unknown.
Comment: This variant has been detected in individual(s) who were sent for testing of Renasight - kidney gene panel.

Literature cited by the submitters: PubMed 39457196 (cited by Women's Health and Genetics/Laboratory Corporation of America, LabCorp); PubMed 15507506 (cited by Variantyx, Inc. and Labcorp Genetics (formerly Invitae), Labcorp); PubMed 22435390 (cited by Variantyx, Inc. and Labcorp Genetics (formerly Invitae), Labcorp); PubMed 27855232 (cited by Variantyx, Inc. and Labcorp Genetics (formerly Invitae), Labcorp); PubMed 29968487 (cited by Variantyx, Inc.); PubMed 229968487 (cited by Labcorp Genetics (formerly Invitae), Labcorp).